The following is an entry in ClinVar:

NM_001003722.2(GLE1):c.450G>A (p.Trp150Ter)

Gene: GLE1 (GLE1 RNA export mediator; plus strand). Cytogenetic location: 9q34.11.
Variant type: single nucleotide variant.
Coding change: c.450G>A on transcript NM_001003722.2 (MANE Select); coding-DNA position 450, G replaced by A.
Protein change: p.Trp150Ter; replaces tryptophan 150 with a stop codon.
Molecular consequence: nonsense.
Genome position (GRCh38, 1-based): chr9:128,522,685, G>A. VCF-style: chr9-128522685-G-A. GRCh37 (hg19) VCF-style: chr9-131284964-G-A.
Other names: c.450G>A, p.Trp150Ter (NM_001411013.1, NM_001499.2); short protein forms W150*.
Identifiers: ClinVar variation 2729696 (VCV002729696.4), dbSNP rs2540592843, ClinGen allele CA375037523.

ClinVar aggregate classification (germline): Pathogenic/Likely pathogenic. Review status: criteria provided, multiple submitters, no conflicts (2 of 4 stars). 2 submissions from 2 submitters: Pathogenic (1); Likely pathogenic (1). Last evaluated 2024-05-31.

Conditions:
Lethal arthrogryposis-anterior horn cell disease syndrome (CAAHD). Also called: CONGENITAL ARTHROGRYPOSIS WITH ANTERIOR HORN CELL DISEASE. Identifiers: Orphanet 53696, MedGen C5193016, MONDO:0012750, OMIM 611890.
Lethal congenital contracture syndrome 1 (LCCS1). Also called: MULTIPLE CONTRACTURE SYNDROME, FINNISH TYPE. Identifiers: Orphanet 1486, MedGen C1854664, MONDO:0009670, OMIM 253310.

Allele frequency attached by ClinVar (database versions not stated): gnomAD exomes below 0.00001.
gnomAD v4.1: 1 of 1,612,564 alleles (0.000062%); highest among the groups gnomAD compares: Non-Finnish European, 0.000085%; no homozygotes.

Submissions (2):

Fulgent Genetics
Classification: Likely pathogenic for Lethal congenital contracture syndrome 1; Lethal arthrogryposis-anterior horn cell disease syndrome. Last evaluated: 2024-05-31. Review status: criteria provided, single submitter. Criteria: ACMG Guidelines, 2015. Collection method: clinical testing. Allele origin: germline.

Labcorp Genetics (formerly Invitae), Labcorp
Classification: Pathogenic. Last evaluated: 2023-06-27. Review status: criteria provided, single submitter. Criteria: Invitae Variant Classification Sherloc (09022015). Collection method: clinical testing. Allele origin: germline.
Comment: For these reasons, this variant has been classified as Pathogenic. This variant has not been reported in the literature in individuals affected with GLE1-related conditions. This variant is not present in population databases (gnomAD no frequency). This sequence change creates a premature translational stop signal (p.Trp150*) in the GLE1 gene. It is expected to result in an absent or disrupted protein product. Loss-of-function variants in GLE1 are known to be pathogenic (PMID: 18204449, 24243016, 27684565).

Literature cited by the submitters: PubMed 18204449 (cited by Labcorp Genetics (formerly Invitae), Labcorp); PubMed 24243016 (cited by Labcorp Genetics (formerly Invitae), Labcorp); PubMed 27684565 (cited by Labcorp Genetics (formerly Invitae), Labcorp).